The following is an entry in ClinVar:

NM_001113378.2(FANCI):c.791T>A (p.Leu264His)

Gene: FANCI (FA complementation group I; plus strand). Cytogenetic location: 15q26.1.
Variant type: single nucleotide variant.
Coding change: c.791T>A on transcript NM_001113378.2 (MANE Select); coding-DNA position 791, T replaced by A.
Protein change: p.Leu264His; replaces leucine 264 with histidine.
Molecular consequence: missense variant.
Genome position (GRCh38, 1-based): chr15:89,268,434, T>A. VCF-style: chr15-89268434-T-A. GRCh37 (hg19) VCF-style: chr15-89811665-T-A.
Other names: c.512T>A, p.Leu171His (NM_001376910.1); c.791T>A, p.Leu264His (NM_001376911.1, NM_018193.3); short protein forms L264H, L171H.
Identifiers: ClinVar variation 2163022 (VCV002163022.1), dbSNP rs372415778, ClinGen allele CA7722769.

ClinVar aggregate classification (germline): Uncertain significance (1 of 4 stars; one submission).

Conditions:
Fanconi anemia (FA). Also called: Fanconi's anemia. Identifiers: Orphanet 84, MedGen C0015625, MeSH D005199, MONDO:0019391.

Allele frequency attached by ClinVar (database versions not stated): ExAC 0.00001; gnomAD exomes 0.00001; ESP Exome Variant Server 0.00008.
gnomAD v4.1: 11 of 1,614,236 alleles (0.00068%); highest among the groups gnomAD compares: Non-Finnish European, 0.00093%; no homozygotes.

Submission:

Labcorp Genetics (formerly Invitae), Labcorp
Classification: Uncertain significance for Fanconi anemia. Last evaluated: 2022-03-07. Review status: criteria provided, single submitter. Criteria: Invitae Variant Classification Sherloc (09022015). Collection method: clinical testing. Allele origin: germline.
Comment: This sequence change replaces leucine, which is neutral and non-polar, with histidine, which is basic and polar, at codon 264 of the FANCI protein (p.Leu264His). This variant is present in population databases (rs372415778, gnomAD 0.002%). This variant has not been reported in the literature in individuals affected with FANCI-related conditions. Algorithms developed to predict the effect of missense changes on protein structure and function (SIFT, PolyPhen-2, Align-GVGD) all suggest that this variant is likely to be disruptive. In summary, the available evidence is currently insufficient to determine the role of this variant in disease. Therefore, it has been classified as a Variant of Uncertain Significance.